The following is an entry in ClinVar:

NM_000069.3(CACNA1S):c.4017C>T (p.Asp1339=)

Gene: CACNA1S (calcium voltage-gated channel subunit alpha1 S; minus strand). Cytogenetic location: 1q32.1.
Variant type: single nucleotide variant.
Coding change: c.4017C>T on transcript NM_000069.3 (MANE Select); coding-DNA position 4017, C replaced by T.
Protein change: p.Asp1339=; no amino-acid change (aspartic acid 1339 retained).
Molecular consequence: synonymous variant.
Genome position (GRCh38, 1-based): chr1:201,051,080, G>A on the plus strand (C>T on the coding strand, the complement: CACNA1S is on the minus strand). VCF-style: chr1-201051080-G-A. GRCh37 (hg19) VCF-style: chr1-201020208-G-A.
Identifiers: ClinVar variation 698151 (VCV000698151.13), dbSNP rs754778841, ClinGen allele CA083035.
Genomic context (GRCh38, chr1:201,051,080, plus strand): 5'-GTAGTATGCAAAGTTGGTGCCACATGTGTACTCCTCCCCTGGGGCATAGTCCGACTCTGG[G>A]TCACACAGCTTCCCATAGCTGCAGGCCAGTAGGATCTCCTGCCAGGCCTCACCTGTTGCA-3'
Protein context (NP_000060.2, residues 1329-1349): LLACSYGKLC[Asp1339=]PESDYAPGEE

ClinVar aggregate classification (germline): Likely benign. Review status: criteria provided, multiple submitters, no conflicts (2 of 4 stars). 3 submissions from 3 submitters: Likely benign (3). Last evaluated 2025-12-14.

Conditions:
Hypokalemic periodic paralysis, type 1. Also called: Hypokalemic Periodic Paralysis Type 1 (AD); HypoPP. Identifiers: Orphanet 681, MedGen C3714580, MONDO:0042979, OMIM 170400.
Malignant hyperthermia, susceptibility to, 5 (MHS5). Also called: CACNA1S-Related Malignant Hyperthermia Susceptibility. Identifiers: Orphanet 423, MedGen C1866077, MONDO:0011163, OMIM 601887.

Allele frequency attached by ClinVar (database versions not stated): gnomAD 0.00001; gnomAD exomes 0.00003 and 0.00007; ExAC 0.00004.
gnomAD v4.1: 19 of 1,614,116 alleles (0.0012%); highest among the groups gnomAD compares: Admixed American, 0.032%; no homozygotes.

Submissions (3):

Labcorp Genetics (formerly Invitae), Labcorp
Classification: Likely benign for Hypokalemic periodic paralysis, type 1; Malignant hyperthermia, susceptibility to, 5. Last evaluated: 2025-12-14. Review status: criteria provided, single submitter. Criteria: Invitae Variant Classification Sherloc (09022015). Collection method: clinical testing. Allele origin: germline.

All of Us Research Program, National Institutes of Health
Classification: Likely benign for Malignant hyperthermia, susceptibility to, 5. Last evaluated: 2023-12-01. Review status: criteria provided, single submitter. Criteria: ACMG Guidelines, 2015. Collection method: clinical testing. Allele origin: germline. Inheritance: Autosomal dominant inheritance. Observed: 2 variant alleles, 2 heterozygotes.
Comment: This study involves interpretation of variants in research participants for the purpose of population health screening. Participant phenotype was not available at the time of variant classification. Additional details can be found in publication PMID: 35346344, PMCID: PMC8962531

Color Diagnostics, LLC DBA Color Health
Classification: Likely benign for Malignant hyperthermia, susceptibility to, 5. Last evaluated: 2022-11-06. Review status: criteria provided, single submitter. Criteria: ACMG Guidelines, 2015. Collection method: clinical testing. Allele origin: germline.